The following is an entry in ClinVar:

NM_000202.8(IDS):c.708+1G>A

Genes: IDS (iduronate 2-sulfatase; minus strand), LOC106050102 (IDS recombination region; plus strand). Cytogenetic location: Xq28.
Variant type: single nucleotide variant.
Coding change: c.708+1G>A on transcript NM_000202.8 (MANE Select); the canonical splice donor site of the intron after coding-DNA position 708, G replaced by A.
Molecular consequence: splice donor variant.
Genome position (GRCh38, 1-based): chrX:149,498,106, C>T on the plus strand (G>A on the coding strand, the complement: IDS is on the minus strand). VCF-style: chrX-149498106-C-T. GRCh37 (hg19) VCF-style: chrX-148579637-C-T.
Other names: c.438+1G>A (NM_001166550.4); c.708+1G>A (NM_006123.5).
Identifiers: ClinVar variation 221221 (VCV000221221.12), dbSNP rs864622778, ClinGen allele CA348776.
Genomic context (GRCh38, chrX:149,498,106, plus strand): 5'-CCCTCAACAAACAACACAGCTGTCACAGCTGTGCTGGATCAGCCCTCAACCAGCTCTTCA[C>T]CTTGGGGTATCTGAAGGGGATGTGTGGCTTATGATACCCAACGGCCAGGAAGAAAGGACT-3'

ClinVar aggregate classification (germline): Pathogenic/Likely pathogenic. Review status: criteria provided, multiple submitters, no conflicts (2 of 4 stars). 3 submissions from 3 submitters: Pathogenic (2); Likely pathogenic (1). Last evaluated 2024-06-07.

Conditions:
Mucopolysaccharidosis, MPS-II (MPS2). Also called: Hunter Syndrome; Mucopolysaccharidosis with skin involvement; Mucopolysaccharidosis type 2; IDURONATE 2-SULFATASE DEFICIENCY; Mucopolysaccharidosis Type II; IDS deficiency. Identifiers: Orphanet 580, Orphanet 79388, MedGen C0026705, MONDO:0010674, OMIM 309900.

Submissions (4):

Laboratory of Diagnosis and Therapy of Lysosomal Disorders, University of Padova
Classification: Likely pathogenic for Mucopolysaccharidosis, MPS-II. Last evaluated: 2024-06-07. Review status: criteria provided, single submitter. Criteria: ACMG Guidelines, 2015. Collection method: literature only. Allele origin: germline. Affected: yes. Observed: 1 variant allele.
Comment: Null variant (PVS1_Strong), Absent from controls (or at low frequency) in gnomAD database (PM2_Moderate), Patient’s phenotype or family history highly specific for the disease (PP4_Moderate)

Classification method: ACMG Guidelines [PMID:25741868] with modifications

Labcorp Genetics (formerly Invitae), Labcorp
Classification: Pathogenic for Mucopolysaccharidosis, MPS-II. Last evaluated: 2021-10-07. Review status: criteria provided, single submitter. Criteria: Invitae Variant Classification Sherloc (09022015). Collection method: clinical testing. Allele origin: germline.
Comment: This sequence change affects a donor splice site in intron 5 of the IDS gene. RNA analysis indicates that this variant induces altered splicing and likely results in a shortened protein product. This variant is not present in population databases (ExAC no frequency). Disruption of this splice site has been observed in individual(s) with clinical features of mucopolysaccharidosis type II (PMID: 27896113, 27246110, 31877959, 9875019). ClinVar contains an entry for this variant (Variation ID: 221221). Experimental studies have shown that disruption of this splice site affects IDS protein function (PMID: 31877959). Studies have shown that this variant is associated with skipping of exon 5 but is expected to preserve the integrity of the reading frame (PMID: 27896113). For these reasons, this variant has been classified as Pathogenic.

IIFP, CONICET-UNLP
Classification: Pathogenic for Mucopolysaccharidosis, MPS-II. Last evaluated: 2011-12-07. Review status: criteria provided, single submitter. Criteria: ACMG Guidelines, 2007. Collection method: research. Allele origin: maternal. Inheritance: X-linked inheritance. Affected: yes. Observed: 1 variant allele.

Dr. Peter K. Rogan Lab, Western University
No classification provided (evidence only). Condition: Nonpapillary renal cell carcinoma. Review status: no classification provided. Collection method: in vitro. Allele origin: not applicable. Functional consequence: skipped exon. Not counted in ClinVar's aggregate classification.

Literature cited by the submitters: PubMed 27896113 (cited by Laboratory of Diagnosis and Therapy of Lysosomal Disorders, University of Padova and Labcorp Genetics (formerly Invitae), Labcorp); PubMed 27246110 (cited by Labcorp Genetics (formerly Invitae), Labcorp); PubMed 31877959 (cited by Labcorp Genetics (formerly Invitae), Labcorp); PubMed 9875019 (cited by Labcorp Genetics (formerly Invitae), Labcorp); DOI 10.1016/j.ymgmr.2014.08.006 (cited by IIFP, CONICET-UNLP).